The following is an entry in ClinVar:

NM_001378615.1(CC2D2A):c.4491A>C (p.Gln1497His)

Genes: CC2D2A (coiled-coil and C2 domain containing 2A; plus strand), FBXL5 (F-box and leucine rich repeat protein 5; minus strand). Cytogenetic location: 4p15.32.
Variant type: single nucleotide variant.
Coding change: c.4491A>C on transcript NM_001378615.1 (MANE Select); coding-DNA position 4491, A replaced by C.
Protein change: p.Gln1497His; replaces glutamine 1497 with histidine.
Molecular consequence: missense variant.
Genome position (GRCh38, 1-based): chr4:15,597,460, A>C. VCF-style: chr4-15597460-A-C. GRCh37 (hg19) VCF-style: chr4-15599083-A-C.
Other names: c.4491A>C, p.Gln1497His (NM_001080522.2); c.4344A>C, p.Gln1448His (NM_001378617.1); short protein forms Q1497H, Q1448H.
Identifiers: ClinVar variation 217616 (VCV000217616.2), dbSNP rs863225179, ClinGen allele CA279430.
Genomic context (GRCh38, chr4:15,597,460, plus strand): 5'-TCTATAGCCTGAAGAGCTAATTTACCAGCGCTCAGACAAAGCAGCTGCAGCTGAGCTACA[A>C]GACAGGTAACATAACATCCATAAATCCACATGTAATCTGTCACTAGGAGTATAATACCAA-3'
Protein context (NP_001365544.1, residues 1487-1507): RSDKAAAAEL[Gln1497His]DRIEKILKEK

ClinVar aggregate classification (germline): Pathogenic/Likely pathogenic. Review status: criteria provided, multiple submitters, no conflicts (2 of 4 stars). 2 submissions from 2 submitters: Pathogenic (1); Likely pathogenic (1). Last evaluated 2026-01-17.

Conditions:
Joubert syndrome 9 (JBTS9). Identifiers: Orphanet 2318, MedGen C2676788, MONDO:0012849, OMIM 612285.
Joubert syndrome. Also called: Familial aplasia of the vermis; JOUBERT-BOLTSHAUSER SYNDROME. Identifiers: Orphanet 475, MedGen C5979921, MONDO:0018772.
Meckel-Gruber syndrome. Also called: Dysencephalia splachnocystica; DYSENCEPHALIA SPLANCHNOCYSTICA; GRUBER SYNDROME. Identifiers: Orphanet 564, MedGen C0265215, MONDO:0018921.

gnomAD v4.1: 2 of 1,553,190 alleles (0.00013%); no homozygotes.

Submissions (2):

Labcorp Genetics (formerly Invitae), Labcorp
Classification: Likely pathogenic for Joubert syndrome; Meckel-Gruber syndrome. Last evaluated: 2026-01-17. Review status: criteria provided, single submitter. Criteria: Invitae Variant Classification Sherloc (09022015). Collection method: clinical testing. Allele origin: germline.
Comment: This sequence change replaces glutamine, which is neutral and polar, with histidine, which is basic and polar, at codon 1497 of the CC2D2A protein (p.Gln1497His). This variant is not present in population databases (gnomAD no frequency). This missense change has been observed in individual(s) with Joubert syndrome (PMID: 26092869). ClinVar contains an entry for this variant (Variation ID: 217616). Invitae Evidence Modeling of protein sequence and biophysical properties (such as structural, functional, and spatial information, amino acid conservation, physicochemical variation, residue mobility, and thermodynamic stability) indicates that this missense variant is expected to disrupt CC2D2A protein function with a positive predictive value of 95%. In summary, the currently available evidence indicates that the variant is pathogenic, but additional data are needed to prove that conclusively. Therefore, this variant has been classified as Likely Pathogenic.

UW Hindbrain Malformation Research Program, University of Washington
Classification: Pathogenic for Joubert syndrome 9. Last evaluated: 2015-02-23. Review status: criteria provided, single submitter. Criteria: Bachmann-Gagescu et al. (J Med Genet. 2015). Collection method: research. Allele origin: unknown. Affected: yes.

Literature cited by the submitters: PubMed 26092869 (cited by Labcorp Genetics (formerly Invitae), Labcorp).